The following is an entry in ClinVar:

NM_013444.4(UBQLN2):c.724G>T (p.Ala242Ser)

Genes: UBQLN2 (ubiquilin 2; plus strand), LOC130068340 (ATAC-STARR-seq lymphoblastoid active region 29688; plus strand). Cytogenetic location: Xp11.21.
Variant type: single nucleotide variant.
Coding change: c.724G>T on transcript NM_013444.4 (MANE Select); coding-DNA position 724, G replaced by T.
Protein change: p.Ala242Ser; replaces alanine 242 with serine.
Molecular consequence: missense variant.
Genome position (GRCh38, 1-based): chrX:56,564,597, G>T. VCF-style: chrX-56564597-G-T. GRCh37 (hg19) VCF-style: chrX-56591030-G-T.
Other names: short protein forms A242S.
Identifiers: ClinVar variation 3710778 (VCV003710778.2).

ClinVar aggregate classification (germline): Uncertain significance (1 of 4 stars; one submission).

Conditions:
Amyotrophic lateral sclerosis type 15. Also called: AMYOTROPHIC LATERAL SCLEROSIS 15 WITH FRONTOTEMPORAL DEMENTIA. Identifiers: Orphanet 803, MedGen C3275459, MONDO:0010459, OMIM 300857.

Submission:

Labcorp Genetics (formerly Invitae), Labcorp
Classification: Uncertain significance for Amyotrophic lateral sclerosis type 15. Last evaluated: 2026-01-05. Review status: criteria provided, single submitter. Criteria: Invitae Variant Classification Sherloc (09022015). Collection method: clinical testing. Allele origin: germline.
Comment: This sequence change replaces alanine, which is neutral and non-polar, with serine, which is neutral and polar, at codon 242 of the UBQLN2 protein (p.Ala242Ser). This variant is not present in population databases (gnomAD no frequency). This variant has not been reported in the literature in individuals affected with UBQLN2-related conditions. ClinVar contains an entry for this variant (Variation ID: 3710778). Invitae Evidence Modeling of protein sequence and biophysical properties (such as structural, functional, and spatial information, amino acid conservation, physicochemical variation, residue mobility, and thermodynamic stability) indicates that this missense variant is not expected to disrupt UBQLN2 protein function with a negative predictive value of 80%. In summary, the available evidence is currently insufficient to determine the role of this variant in disease. Therefore, it has been classified as a Variant of Uncertain Significance.